The following is an entry in ClinVar:

NM_000193.4(SHH):c.4_20del (p.Leu2fs)

Gene: SHH (sonic hedgehog signaling molecule; minus strand). Cytogenetic location: 7q36.3.
Variant type: Deletion.
Coding change: c.4_20del on transcript NM_000193.4 (MANE Select); coding-DNA positions 4 to 20, 17 bases deleted (CTGCTGCTGGCGAGATG).
Protein change: p.Leu2fs; shifts the reading frame from leucine 2.
Molecular consequence: frameshift variant, initiator codon variant.
Genome position (GRCh38, 1-based): chr7:155,812,103-155,812,119, CATCTCGCCAGCAGCAG deleted on the plus strand (CTGCTGCTGGCGAGATG on the coding strand, the reverse complement: SHH is on the minus strand); deleting any 17 consecutive bases within chr7:155,812,103-155,812,128 gives the same sequence; the c. name uses the placement nearest the transcript's 3' end. VCF-style (leftmost placement, unchanged base first): chr7-155812102-ACATCTCGCCAGCAGCAG-A. GRCh37 (hg19) VCF-style: chr7-155604796-ACATCTCGCCAGCAGCAG-A.
Other names: short protein forms L2fs.
Identifiers: ClinVar variation 4845525 (VCV004845525.1).
Genomic context (GRCh38, chr7:155,812,102, plus strand): 5'-GCCCGGTCCGCACGCCAGTCCCGAGCATACCAGCAGCGAGGAGACGAGGACTAGCAGCAG[ACATCTCGCCAGCAGCAG>A]CATCTCGCCCATGGAACTGATGACTTCCGAGCTGTCCCCGTGCGGGTCCGTGCGCGAGTG-3'

ClinVar aggregate classification (germline): Pathogenic (1 of 4 stars; one submission).

Conditions:
SHH-related disorder. Also called: SHH-related condition; SHH-related disorders.

Submission:

Greenwood Genetic Center Diagnostic Laboratories, Greenwood Genetic Center
Classification: Pathogenic for SHH-related disorder. Last evaluated: 2025-12-11. Review status: criteria provided, single submitter. Criteria: ACMG Guidelines, 2015. Collection method: clinical testing. Allele origin: germline. Affected: yes.
Comment: PVS1, PM2, PP1